The following is an entry in ClinVar:

ClinVar aggregate classification (germline): Pathogenic. Review status: criteria provided, multiple submitters, no conflicts (2 of 4 stars). 6 submissions from 6 submitters: Pathogenic (5). 1 of the submissions does not count toward it. Last evaluated 2026-01-30.

Conditions:
Inborn genetic diseases. Identifiers: MedGen C0950123, MeSH D030342.
Supravalvar aortic stenosis (SVAS). Also called: Supravalvar aortic stenosis, Eisenberg type. Identifiers: Orphanet 3193, MedGen C0003499, MONDO:0008504, OMIM 185500, HP:0004381.

Submissions (6):

Labcorp Genetics (formerly Invitae), Labcorp
Classification: Pathogenic for Supravalvar aortic stenosis. Last evaluated: 2026-01-30. Review status: criteria provided, single submitter. Criteria: Invitae Variant Classification Sherloc (09022015). Collection method: clinical testing. Allele origin: germline.
Comment: This sequence change falls in intron 15 of the ELN gene. It does not directly change the encoded amino acid sequence of the ELN protein. It affects a nucleotide within the consensus splice site. This variant is not present in population databases (gnomAD no frequency). This variant has been observed in individuals with supravalvular aortic stenosis (PMID: 9215670, 10190324). It has also been observed to segregate with disease in related individuals. This variant is also known as IVS15-3C>G. ClinVar contains an entry for this variant (Variation ID: 43586). Variants that disrupt the consensus splice site are a relatively common cause of aberrant splicing (PMID: 17576681, 9536098). Algorithms developed to predict the effect of sequence changes on RNA splicing suggest that this variant may disrupt the consensus splice site. For these reasons, this variant has been classified as Pathogenic.

Clinical Genomics Laboratory, Washington University in St. Louis
Classification: Pathogenic for Supravalvar aortic stenosis. Last evaluated: 2025-06-30. Review status: criteria provided, single submitter. Criteria: ACMG Guidelines, 2015. Collection method: clinical testing. Allele origin: germline. Affected: yes.
Comment: The ELN c.800-3C>G variant (also known as IVS15-3C>G) has been observed in individuals with supravalvular aortic stenosis and segregates with disease (Li DY et al., PMID: 9215670; Urban Z et al., PMID: 10190324). Two different studies performed functional analysis on patient fibroblasts. Wachi and colleagues demonstrated that this variant causes skipping of exons 16-17 and results in stable mRNA (Wachi H et al., PMID: 17037986). They further concluded that tropolastin lacking these exons results in reduced self-association and altered elastic fiber formation. Conversely, Urban and colleagues showed generation of a cryptic splice that would lead to a frameshift and reduced expression, indicating haploinsufficiency (Urban Z et al., PMID: 10190324). This variant is absent from the general population (gnomAD v.4.1.0), indicating it is not a common variant. Computational predictors indicate that this variant would alter splicing, evidence that correlates to an impact of this variant on ELN function. This variant has been reported in the ClinVar database as a pathogenic variant by five submitters (ClinVar Variation ID: 43586). Based on available information and the ACMG/AMP guidelines for variant interpretation (Richards S et al., PMID: 25741868), this variant is classified as pathogenic.

GeneDx
Classification: Pathogenic. Last evaluated: 2023-02-17. Review status: criteria provided, single submitter. Criteria: GeneDx Variant Classification Process June 2021. Collection method: clinical testing. Allele origin: germline. Affected: yes.
Comment: Non-canonical splice site variant predicted to destroy the natural splice acceptor site in intron 15; Published functional studies demonstrate the production of aberrant mRNA lacking exons 16 and 17 in skin fibroblasts of affected individuals (Wachi et al., 2007); Not observed in large population cohorts (gnomAD); In silico analysis supports a deleterious effect on splicing; This variant is associated with the following publications: (PMID: 11175284, 17037986, 10190324, 9215670)

Ambry Genetics
Classification: Pathogenic for Inborn genetic diseases. Last evaluated: 2020-02-26. Review status: criteria provided, single submitter. Criteria: Ambry Variant Classification Scheme 2023. Collection method: clinical testing. Allele origin: germline.
Comment: The alteration results in an intronic change: _x000D_ _x000D_ The c.800-3C>G intronic alteration results from a C to G substitution 3 nucleotides before coding exon 16 of the ELN gene. The alteration is not observed in population databases:_x000D_ _x000D_ Based on data from the Genome Aggregation Database (gnomAD), the ELN c.800-3C>G alteration was not observed, with coverage at this position. The alteration has been observed in affected individuals: _x000D_ _x000D_ The ELN c.800-3C>G alteration (also referred to as IVIS15-3C>G) has been reported to segregate with supravalvular aortic stenosis in at least three unrelated families (Li, 1997; Urban, 1999). The altered nucleotide is conserved throughout evolution:_x000D_ _x000D_ The c.800-3C nucleotide is conserved in available vertebrate species. Molecular analysis reveals aberrant splicing from this alteration:_x000D_ _x000D_ Using mRNA studies, Urb&aacute;n et al. (1999) and Wachi et al. (2007) demonstrated that c.800-3C>G alteration leads to aberrant splicing and exon skipping in the ELN gene. Additional studies by Wachi et al. (2007) showed that this aberrantly spliced transcript was able to synthesize a stable polypeptide that could interact with fibrillin-1 and fibulin-5 proteins, but was deficient in forming homotypic interactions. The alteration is predicted to affect splicing by in silico models:_x000D_ _x000D_ Based on BDGP and ESEfinder splice site in silico tools, this alteration is predicted to abolish the native splice acceptor site and is supported by molecular studies (see above). Based on the available evidence, this alteration is classified as pathogenic.

Laboratory for Molecular Medicine, Mass General Brigham Personalized Medicine
Classification: Pathogenic for Supravalvular aortic stenosis. Last evaluated: 2011-07-21. Review status: criteria provided, single submitter. Criteria: LMM Criteria. Collection method: clinical testing. Allele origin: germline. Observed: 1 variant allele.
Comment: The 800-3C>G variant has been reported in 3 families with SVAS and segregated wi th disease in >10 affected individuals (Li 1997, Urban 1999). The variant was no t detected in over 900 control chromosomes, supporting a pathogenic role (Li 199 7, Urban 1999). This variant is located in the 3' splice region and although it does not affect the highly conserved -1 and -2 positions, molecular studies show ed abnormal splicing and skipping of exon 16 (Urban 1999, Wachi 2007). In summar y, the 800-3C>G variant meets our criteria for pathogenicity based on the severity of the change, segregation with disease, func tional studies, and absence from controls.

OMIM
Classification: Pathogenic for SUPRAVALVULAR AORTIC STENOSIS. Last evaluated: 1999-02-01. Review status: no assertion criteria provided. Collection method: literature only. Allele origin: germline. Not counted in ClinVar's aggregate classification.

Literature cited by the submitters: PubMed 9215670 (cited by 3 submitters); PubMed 10190324 (cited by 4 submitters); PubMed 17576681 (cited by Labcorp Genetics (formerly Invitae), Labcorp); PubMed 9536098 (cited by Labcorp Genetics (formerly Invitae), Labcorp); PubMed 11175284 (cited by Ambry Genetics); PubMed 17037986 (cited by Ambry Genetics and Laboratory for Molecular Medicine, Mass General Brigham Personalized Medicine).

NM_000501.4(ELN):c.800-3C>G

Gene: ELN (elastin; plus strand). Cytogenetic location: 7q11.23.
Variant type: single nucleotide variant.
Coding change: c.800-3C>G on transcript NM_000501.4 (MANE Select); 3 bases into the intron before coding-DNA position 800, C replaced by G.
Molecular consequence: intron variant.
Genome position (GRCh38, 1-based): chr7:74,051,747, C>G. VCF-style: chr7-74051747-C-G. GRCh37 (hg19) VCF-style: chr7-73466077-C-G.
Other names: IVS15AS, C-G, -3; c.815-3C>G (NM_001081754.3, NM_001081753.3); c.800-3C>G (NM_001278939.2, NM_001278915.2, NM_001278912.2 and 1 more transcripts); c.758-3C>G (NM_001278916.2); c.692-3C>G (NM_001278913.2); c.785-3C>G (NM_001278914.2); c.770-3C>G (NM_001278917.2, NM_001081752.3); c.668-3C>G (NM_001278918.2).
Identifiers: ClinVar variation 43586 (VCV000043586.21), dbSNP rs397516433, ClinGen allele CA281109.